The following is an entry in ClinVar:

ClinVar aggregate classification (germline): Likely pathogenic (0 of 4 stars; one submission).

Conditions:
BBS9-related disorder. Also called: BBS9-related condition.

gnomAD v4.1: 1 of 1,613,982 alleles (0.000062%); highest among the groups gnomAD compares: Non-Finnish European, 0.000085%; no homozygotes.

Submission:

PreventionGenetics, part of Exact Sciences
Classification: Likely pathogenic for BBS9-related condition. Last evaluated: 2024-05-08. Review status: no assertion criteria provided. Collection method: clinical testing. Allele origin: germline.
Comment: The BBS9 c.2116-1G>A variant is predicted to disrupt the AG splice acceptor site and interfere with normal splicing. To our knowledge, this variant has not been reported in the literature or in a large population database, indicating this variant is rare. This variant is predicted to affect the canonical splice donor site by an in silico splicing algorithm (SpliceAI, Jaganathan K, et al. 2019. PubMed ID: 30661751). Variants that disrupt the consensus splice acceptor site in BBS9 are expected to be pathogenic. This variant is interpreted as likely pathogenic.

NM_198428.3(BBS9):c.2116-1G>A

Gene: BBS9 (Bardet-Biedl syndrome 9; plus strand). Cytogenetic location: 7p14.3.
Variant type: single nucleotide variant.
Coding change: c.2116-1G>A on transcript NM_198428.3 (MANE Select); the canonical splice acceptor site of the intron before coding-DNA position 2116, G replaced by A.
Molecular consequence: splice acceptor variant. On other transcripts: intron variant (1).
Genome position (GRCh38, 1-based): chr7:33,505,462, G>A. VCF-style: chr7-33505462-G-A. GRCh37 (hg19) VCF-style: chr7-33545074-G-A.
Other names: c.2116-1G>A (NM_001348036.1, NM_001362679.1, NM_001348041.4 and 1 more transcripts); c.1843-1G>A (NM_001348038.3); c.1738-1G>A (NM_001348039.3); c.2101-1G>A (NM_001033605.2); c.2011-1G>A (NM_001033604.2); c.1996-1G>A (NM_014451.4, NM_001348040.3); c.1750-28492G>A (NM_001348037.3); c.1981-1G>A (NM_001348042.3); and 2 more.
Identifiers: ClinVar variation 3344045 (VCV003344045.1).
Genomic context (GRCh38, chr7:33,505,462, plus strand): 5'-AATTTGTTGAGGGCTCAATAATTGTGAAATTATCCCTAACCGAAGTTTGTAATATCTGCA[G>A]GTAATTGCTCTAGCAGATGCAGTGGAGGAAAACCAAGGCAATCTGTTCCAGTCATTCACC-3'